The following is an entry in ClinVar:

ClinVar aggregate classification (germline): Pathogenic (1 of 4 stars; one submission).

Submission:

GeneDx
Classification: Pathogenic. Last evaluated: 2023-05-11. Review status: criteria provided, single submitter. Criteria: GeneDx Variant Classification Process June 2021. Collection method: clinical testing. Allele origin: germline. Affected: yes.
Comment: Frameshift variant predicted to result in protein truncation or nonsense mediated decay in a gene for which loss-of-function is a known mechanism of disease; Not observed in large population cohorts (gnomAD); Has not been previously published as pathogenic or benign to our knowledge

NM_020436.5(SALL4):c.1829_1833dup (p.His612fs)

Gene: SALL4 (spalt like transcription factor 4; minus strand). Cytogenetic location: 20q13.2.
Variant type: Duplication.
Coding change: c.1829_1833dup on transcript NM_020436.5 (MANE Select); coding-DNA positions 1829 to 1833, 5 bases duplicated (AGACA; older notation c.1829_1833dupAGACA).
Protein change: p.His612fs; shifts the reading frame from histidine 612.
Molecular consequence: frameshift variant. On other transcripts: intron variant (1).
Genome position (GRCh38, 1-based): chr20:51,790,650-51,790,654, TGTCT duplicated on the plus strand (AGACA on the coding strand, the reverse complement: SALL4 is on the minus strand); duplicating any 5 consecutive bases within chr20:51,790,650-51,790,655 gives the same sequence; the c. name uses the placement nearest the transcript's 3' end. VCF-style (leftmost placement, unchanged base first): chr20-51790649-G-GTGTCT. GRCh37 (hg19) VCF-style: chr20-50407188-G-GTGTCT.
Other names: c.1150+679_1150+683dup (NM_001318031.2); c.1829_1833dup (NM_020436.3); short protein forms H612fs.
Identifiers: ClinVar variation 2501946 (VCV002501946.1), dbSNP rs2515715730, ClinGen allele CA2580616344.